The following is an entry in ClinVar:

ClinVar aggregate classification (germline): Uncertain significance. Review status: criteria provided, multiple submitters, no conflicts (2 of 4 stars). 2 submissions from 2 submitters: Uncertain significance (2). Last evaluated 2024-10-21.

Conditions:
Hereditary cancer-predisposing syndrome. Also called: Hereditary neoplastic syndrome; Hereditary Cancer Syndrome; Neoplastic Syndromes, Hereditary; Tumor predisposition. Identifiers: Orphanet 140162, MedGen C0027672, MeSH D009386, MONDO:0015356.
Neuroblastoma, susceptibility to, 3. Also called: ALK-Related Neuroblastic Tumor Susceptibility. Identifiers: Orphanet 635, MedGen C2751681, MONDO:0013083, OMIM 613014.

Allele frequency attached by ClinVar (database versions not stated): gnomAD exomes below 0.00001.
gnomAD v4.1: 1 of 1,614,194 alleles (0.000062%); highest among the groups gnomAD compares: East Asian, 0.0022%; no homozygotes.

Submissions (2):

Ambry Genetics
Classification: Uncertain significance for Hereditary cancer-predisposing syndrome. Last evaluated: 2024-10-21. Review status: criteria provided, single submitter. Criteria: Ambry Variant Classification Scheme 2023. Collection method: clinical testing. Allele origin: germline.
Comment: The p.W444C variant (also known as c.1332G>T), located in coding exon 6 of the ALK gene, results from a G to T substitution at nucleotide position 1332. The tryptophan at codon 444 is replaced by cysteine, an amino acid with highly dissimilar properties. This amino acid position is conserved. In addition, this alteration is predicted to be deleterious by in silico analysis. Based on the available evidence, the clinical significance of this variant remains unclear.

Labcorp Genetics (formerly Invitae), Labcorp
Classification: Uncertain significance for Neuroblastoma, susceptibility to, 3. Last evaluated: 2023-10-09. Review status: criteria provided, single submitter. Criteria: Invitae Variant Classification Sherloc (09022015). Collection method: clinical testing. Allele origin: germline.
Comment: This sequence change replaces tryptophan, which is neutral and slightly polar, with cysteine, which is neutral and slightly polar, at codon 444 of the ALK protein (p.Trp444Cys). This variant is not present in population databases (gnomAD no frequency). This variant has not been reported in the literature in individuals affected with ALK-related conditions. An algorithm developed to predict the effect of missense changes on protein structure and function (PolyPhen-2) suggests that this variant is likely to be disruptive. In summary, the available evidence is currently insufficient to determine the role of this variant in disease. Therefore, it has been classified as a Variant of Uncertain Significance.

NM_004304.5(ALK):c.1332G>T (p.Trp444Cys)

Gene: ALK (ALK receptor tyrosine kinase; minus strand). Cytogenetic location: 2p23.2.
Variant type: single nucleotide variant.
Coding change: c.1332G>T on transcript NM_004304.5 (MANE Select); coding-DNA position 1332, G replaced by T.
Protein change: p.Trp444Cys; replaces tryptophan 444 with cysteine.
Molecular consequence: missense variant.
Genome position (GRCh38, 1-based): chr2:29,328,432, C>A on the plus strand (G>T on the coding strand, the complement: ALK is on the minus strand). VCF-style: chr2-29328432-C-A. GRCh37 (hg19) VCF-style: chr2-29551298-C-A.
Other names: c.1332G>T (NM_004304.4); short protein forms W444C.
Identifiers: ClinVar variation 2767027 (VCV002767027.4), dbSNP rs1667339857, ClinGen allele CA346474386.